The following is an entry in ClinVar:

ClinVar aggregate classification (germline): Uncertain significance (1 of 4 stars; one submission).

Conditions:
Cardiovascular phenotype. Identifiers: MedGen CN230736.

Submission:

Ambry Genetics
Classification: Uncertain significance for Cardiovascular phenotype. Last evaluated: 2023-11-19. Review status: criteria provided, single submitter. Criteria: Ambry Variant Classification Scheme 2023. Collection method: clinical testing. Allele origin: germline.
Comment: The p.A543T variant (also known as c.1627G>A), located in coding exon 14 of the MYH7 gene, results from a G to A substitution at nucleotide position 1627. The alanine at codon 543 is replaced by threonine, an amino acid with similar properties. This alteration is located in the myosin head domain, which contains a statistically significant clustering of pathogenic missense variants (Homburger JR et al. Proc Natl Acad Sci U S A, 2016 06;113:6701-6; Walsh R et al. Genet Med, 2017 02;19:192-203; Ambry internal data). This amino acid position is highly conserved in available vertebrate species. In addition, this alteration is predicted to be deleterious by in silico analysis. Since supporting evidence is limited at this time, the clinical significance of this alteration remains unclear.

NM_000257.4(MYH7):c.1627G>A (p.Ala543Thr)

Gene: MYH7 (myosin heavy chain 7; minus strand). Cytogenetic location: 14q11.2.
Variant type: single nucleotide variant.
Coding change: c.1627G>A on transcript NM_000257.4 (MANE Select); coding-DNA position 1627, G replaced by A.
Protein change: p.Ala543Thr; replaces alanine 543 with threonine.
Molecular consequence: missense variant.
Genome position (GRCh38, 1-based): chr14:23,427,846, C>T on the plus strand (G>A on the coding strand, the complement: MYH7 is on the minus strand). VCF-style: chr14-23427846-C-T. GRCh37 (hg19) VCF-style: chr14-23897055-C-T.
Other names: c.1627G>A (LRG_384t1); short protein forms A543T.
Identifiers: ClinVar variation 180436 (VCV000180436.2), dbSNP rs730880160, ClinGen allele CA011085.